The following is an entry in ClinVar:

NM_004531.5(MOCS2):c.428A>G (p.His143Arg)

Gene: MOCS2 (molybdenum cofactor synthesis 2; minus strand). Cytogenetic location: 5q11.2.
Variant type: single nucleotide variant.
Coding change: c.428A>G on transcript NM_004531.5 (MANE Select); coding-DNA position 428, A replaced by G.
Protein change: p.His143Arg; replaces histidine 143 with arginine.
Molecular consequence: missense variant. On other transcripts: 3 prime UTR variant (1).
Genome position (GRCh38, 1-based): chr5:53,100,484, T>C on the plus strand (A>G on the coding strand, the complement: MOCS2 is on the minus strand). VCF-style: chr5-53100484-T-C. GRCh37 (hg19) VCF-style: chr5-52396314-T-C.
Other names: c.*348A>G (NM_176806.4); c.428A>G, p.His143Arg (NM_183418.1); short protein forms H143R.
Identifiers: ClinVar variation 2119023 (VCV002119023.4), dbSNP rs1579931991, ClinGen allele CA359692858.

ClinVar aggregate classification (germline): Uncertain significance (1 of 4 stars; one submission).

Submission:

Labcorp Genetics (formerly Invitae), Labcorp
Classification: Uncertain significance. Last evaluated: 2022-04-04. Review status: criteria provided, single submitter. Criteria: Invitae Variant Classification Sherloc (09022015). Collection method: clinical testing. Allele origin: germline.
Comment: In summary, the available evidence is currently insufficient to determine the role of this variant in disease. Therefore, it has been classified as a Variant of Uncertain Significance. Algorithms developed to predict the effect of missense changes on protein structure and function (SIFT, PolyPhen-2, Align-GVGD) all suggest that this variant is likely to be disruptive. This variant has not been reported in the literature in individuals affected with MOCS2B-related conditions. This variant is not present in population databases (gnomAD no frequency). This sequence change replaces histidine, which is basic and polar, with arginine, which is basic and polar, at codon 143 of the MOCS2B protein (p.His143Arg).